The following is an entry in ClinVar:

NM_020937.4(FANCM):c.787C>A (p.Leu263Ile)

Gene: FANCM (FA complementation group M; plus strand). Cytogenetic location: 14q21.2.
Variant type: single nucleotide variant.
Coding change: c.787C>A on transcript NM_020937.4 (MANE Select); coding-DNA position 787, C replaced by A.
Protein change: p.Leu263Ile; replaces leucine 263 with isoleucine.
Molecular consequence: missense variant.
Genome position (GRCh38, 1-based): chr14:45,148,864, C>A. VCF-style: chr14-45148864-C-A. GRCh37 (hg19) VCF-style: chr14-45618067-C-A.
Other names: c.787C>A (NM_020937.2); c.709C>A, p.Leu237Ile (NM_001308133.2); c.787C>A, p.Leu263Ile (NM_001308134.2); short protein forms L237I, L263I.
Identifiers: ClinVar variation 1064151 (VCV001064151.10), dbSNP rs1594766754, ClinGen allele CA389589822.
Genomic context (GRCh38, chr14:45,148,864, plus strand): 5'-AGTTTATAATCATACTTAATTGATTTCATATAGGCTGTGCAACAAGTTATTACTAACCTG[C>A]TAATTGGGCAGATAGAGCTTCGTTCTGAAGATTCTCCAGATATTTTGACATATTCTCATG-3'
Protein context (NP_065988.1, residues 253-273): KAVQQVITNL[Leu263Ile]IGQIELRSED

ClinVar aggregate classification (germline): Uncertain significance. Review status: criteria provided, multiple submitters, no conflicts (2 of 4 stars). 2 submissions from 2 submitters: Uncertain significance (2). Last evaluated 2025-09-19.

Conditions:
Fanconi anemia (FA). Also called: Fanconi's anemia. Identifiers: Orphanet 84, MedGen C0015625, MeSH D005199, MONDO:0019391.
Inborn genetic diseases. Identifiers: MedGen C0950123, MeSH D030342.

Submissions (2):

Ambry Genetics
Classification: Uncertain significance for Inborn genetic diseases. Last evaluated: 2025-09-19. Review status: criteria provided, single submitter. Criteria: Ambry Variant Classification Scheme 2023. Collection method: clinical testing. Allele origin: germline.
Comment: The p.L263I variant (also known as c.787C>A), located in coding exon 4 of the FANCM gene, results from a C to A substitution at nucleotide position 787. The leucine at codon 263 is replaced by isoleucine, an amino acid with highly similar properties. This amino acid position is conserved. In addition, this alteration is predicted to be tolerated by in silico analysis. Based on the available evidence, the clinical significance of this variant remains unclear.

Labcorp Genetics (formerly Invitae), Labcorp
Classification: Uncertain significance for Fanconi anemia. Last evaluated: 2022-10-05. Review status: criteria provided, single submitter. Criteria: Invitae Variant Classification Sherloc (09022015). Collection method: clinical testing. Allele origin: germline.
Comment: Algorithms developed to predict the effect of missense changes on protein structure and function (SIFT, PolyPhen-2, Align-GVGD) all suggest that this variant is likely to be tolerated. In summary, the available evidence is currently insufficient to determine the role of this variant in disease. Therefore, it has been classified as a Variant of Uncertain Significance. ClinVar contains an entry for this variant (Variation ID: 1064151). This variant has not been reported in the literature in individuals affected with FANCM-related conditions. This variant is not present in population databases (gnomAD no frequency). This sequence change replaces leucine, which is neutral and non-polar, with isoleucine, which is neutral and non-polar, at codon 263 of the FANCM protein (p.Leu263Ile).